The following is an entry in ClinVar:

NM_201253.3(CRB1):c.2171_2172del (p.Tyr724fs)

Gene: CRB1 (crumbs cell polarity complex component 1; plus strand). Cytogenetic location: 1q31.3.
Variant type: Deletion.
Coding change: c.2171_2172del on transcript NM_201253.3 (MANE Select); coding-DNA positions 2171 to 2172, 2 bases deleted (AT; older notation c.2171_2172delAT).
Protein change: p.Tyr724fs; shifts the reading frame from tyrosine 724.
Molecular consequence: frameshift variant. On other transcripts: non-coding transcript variant (2), intron variant (1).
Genome position (GRCh38, 1-based): chr1:197,427,496-197,427,497, AT deleted; deleting any 2 consecutive bases within chr1:197,427,495-197,427,497 gives the same sequence; the c. name uses the placement nearest the transcript's 3' end. VCF-style (leftmost placement, unchanged base first): chr1-197427494-TTA-T. GRCh37 (hg19) VCF-style: chr1-197396624-TTA-T.
Other names: c.1835_1836del, p.Tyr612fs (NM_001193640.2); c.1964_1965del, p.Tyr655fs (NM_001257965.2); c.2128+5540_2128+5541del (NM_001257966.2); short protein forms Y655fs, Y724fs, Y612fs.
Identifiers: ClinVar variation 1945653 (VCV001945653.5), dbSNP rs2528147327, ClinGen allele CA2580061818.

ClinVar aggregate classification (germline): Pathogenic (1 of 4 stars; one submission).

Conditions:
Retinitis pigmentosa 12 (RP12). Also called: RP WITH OR WITHOUT PRESERVED PARAARTERIOLE RETINAL PIGMENT EPITHELIUM; RETINITIS PIGMENTOSA WITH OR WITHOUT PARAARTERIOLAR PRESERVATION OF RETINAL PIGMENT EPITHELIUM; RP WITH OR WITHOUT PPRPE. Identifiers: Orphanet 791, MedGen C1838647, MONDO:0010818, OMIM 600105.
Leber congenital amaurosis 8 (LCA8). Identifiers: Orphanet 65, MedGen C3151202, MONDO:0013453, OMIM 613835.

Submission:

Labcorp Genetics (formerly Invitae), Labcorp
Classification: Pathogenic for Leber congenital amaurosis 8; Retinitis pigmentosa 12. Last evaluated: 2023-03-23. Review status: criteria provided, single submitter. Criteria: Invitae Variant Classification Sherloc (09022015). Collection method: clinical testing. Allele origin: germline.
Comment: This sequence change creates a premature translational stop signal (p.Tyr724Cysfs*6) in the CRB1 gene. It is expected to result in an absent or disrupted protein product. Loss-of-function variants in CRB1 are known to be pathogenic (PMID: 10508521, 22065545, 23379534, 25412400, 26957898, 28041643, 29391521). This variant is not present in population databases (gnomAD no frequency). This variant has not been reported in the literature in individuals affected with CRB1-related conditions. ClinVar contains an entry for this variant (Variation ID: 1945653). For these reasons, this variant has been classified as Pathogenic.

Literature cited by the submitters: PubMed 10508521; PubMed 22065545; PubMed 23379534; PubMed 25412400; PubMed 26957898; PubMed 28041643; PubMed 29391521.